The following is an entry in ClinVar:

ClinVar aggregate classification (germline): Uncertain significance (1 of 4 stars; one submission).

Conditions:
Cardiovascular phenotype. Identifiers: MedGen CN230736.

Allele frequency attached by ClinVar (database versions not stated): TOPMed below 0.00001.
gnomAD v4.1: 9 of 1,613,898 alleles (0.00056%); highest among the groups gnomAD compares: Non-Finnish European, 0.00059%; no homozygotes.

Submission:

Ambry Genetics
Classification: Uncertain significance for Cardiovascular phenotype. Last evaluated: 2023-05-26. Review status: criteria provided, single submitter. Criteria: Ambry Variant Classification Scheme 2023. Collection method: clinical testing. Allele origin: germline.
Comment: The p.V211I variant (also known as c.631G>A), located in coding exon 5 of the SCN3B gene, results from a G to A substitution at nucleotide position 631. The valine at codon 211 is replaced by isoleucine, an amino acid with highly similar properties. This amino acid position is conserved. In addition, the in silico prediction for this alteration is inconclusive. Since supporting evidence is limited at this time, the clinical significance of this alteration remains unclear.

NM_001040151.2(SCN3B):c.631G>A (p.Val211Ile)

Gene: SCN3B (sodium voltage-gated channel beta subunit 3; minus strand). Cytogenetic location: 11q24.1.
Variant type: single nucleotide variant.
Coding change: c.631G>A on transcript NM_001040151.2 (MANE Select); coding-DNA position 631, G replaced by A.
Protein change: p.Val211Ile; replaces valine 211 with isoleucine.
Molecular consequence: missense variant.
Genome position (GRCh38, 1-based): chr11:123,634,160, C>T on the plus strand (G>A on the coding strand, the complement: SCN3B is on the minus strand). VCF-style: chr11-123634160-C-T. GRCh37 (hg19) VCF-style: chr11-123504868-C-T.
Other names: c.631G>A, p.Val211Ile (NM_018400.4); short protein forms V211I.
Identifiers: ClinVar variation 2563488 (VCV002563488.2), dbSNP rs1213476516, ClinGen allele CA383070004.